The following is an entry in ClinVar:

ClinVar aggregate classification (germline): Pathogenic (1 of 4 stars; one submission).

Conditions:
Hereditary cancer-predisposing syndrome. Also called: Hereditary neoplastic syndrome; Hereditary Cancer Syndrome; Neoplastic Syndromes, Hereditary; Tumor predisposition. Identifiers: Orphanet 140162, MedGen C0027672, MeSH D009386, MONDO:0015356.

Submission:

Color Diagnostics, LLC DBA Color Health
Classification: Pathogenic for Hereditary cancer-predisposing syndrome. Last evaluated: 2022-10-17. Review status: criteria provided, single submitter. Criteria: ACMG Guidelines, 2015. Collection method: clinical testing. Allele origin: germline.
Comment: This variant deletes 1 nucleotide in exon 12 of the MUTYH gene, creating a frameshift and premature translation stop signal. This variant is expected to result in an absent or non-functional protein product. To our knowledge, this variant has not been reported in individuals affected with hereditary cancer in the literature. This variant has not been identified in the general population by the Genome Aggregation Database (gnomAD). Loss of MUTYH function is a known mechanism of disease. Based on the available evidence, this variant is classified as Pathogenic.

NM_001048174.2(MUTYH):c.1085del (p.Val362fs)

Gene: MUTYH (mutY DNA glycosylase; minus strand). Cytogenetic location: 1p34.1.
Variant type: Deletion.
Coding change: c.1085del on transcript NM_001048174.2 (MANE Select); coding-DNA position 1085, one base deleted (T; older notation c.1085delT).
Protein change: p.Val362fs; shifts the reading frame from valine 362.
Molecular consequence: frameshift variant. On other transcripts: non-coding transcript variant (7).
Genome position (GRCh38, 1-based): chr1:45,331,678, A deleted on the plus strand (T on the coding strand, the reverse complement: MUTYH is on the minus strand). VCF-style (leftmost placement, unchanged base first): chr1-45331677-CA-C. GRCh37 (hg19) VCF-style: chr1-45797349-CA-C.
Other names: c.1085del, p.Val362fs (NM_001293195.2, NM_001407070.1, NM_001407072.1 and 6 more transcripts); c.809del, p.Val270fs (NM_001293196.2, NM_001293192.2, NM_001407091.1); c.740del, p.Val247fs (NM_001350650.2, NM_001350651.2, NM_001407082.1); c.1088del, p.Val363fs (NM_001407071.1, NM_001407078.1, NM_001048172.2 and 1 more transcripts); c.1001del, p.Val334fs (NM_001407075.1); c.1118del, p.Val373fs (NM_001407077.1, NM_001407069.1, NM_001293191.2); c.1169del, p.Val390fs (NM_001128425.2); c.1130del, p.Val377fs (NM_001293190.2); and 5 more; short protein forms V362fs, V387fs, V390fs, V247fs, V270fs, V334fs, V348fs, V363fs.
Identifiers: ClinVar variation 2773685 (VCV002773685.2), dbSNP rs2523991314, ClinGen allele CA2697552384.